The following is an entry in ClinVar:

ClinVar aggregate classification (germline): Benign/Likely benign. Review status: criteria provided, multiple submitters, no conflicts (2 of 4 stars). 15 submissions from 13 submitters: Benign (10); Likely benign (3). 2 of the submissions do not count toward it. Last evaluated 2026-02-04.

Conditions:
Congenital multicore myopathy with external ophthalmoplegia (CMYO1B). Also called: MULTIMINICORE DISEASE WITH EXTERNAL OPHTHALMOPLEGIA; MULTICORE MYOPATHY; Minicore myopathy with external ophthalmoplegia; Congenital myopathy 1B, autosomal recessive; Minicore myopathy. Identifiers: Orphanet 598, Orphanet 98905, MedGen C1850674, MONDO:0009712, OMIM 255320, HP:0003789.
Central core myopathy (CMYO1A). Also called: CONGENITAL MYOPATHY 1A, AUTOSOMAL DOMINANT, WITH SUSCEPTIBILITY TO MALIGNANT HYPERTHERMIA; Central core disease; Myopathy, central fibrillar. Identifiers: Orphanet 597, MedGen C5830701, MONDO:0007294, OMIM 117000.
Malignant hyperthermia, susceptibility to, 1 (MHS1). Also called: Malignant hyperthermia suceptibility 1; Anesthesia related hyperthermia; Malignant hyperpyrexia; Fulminating hyperpyrexia; Pharmacogenic myopathy; RYR1-Related Malignant Hyperthermia Susceptibility. Identifiers: Orphanet 423, MedGen C2930980, MONDO:0007783, OMIM 145600.
RYR1-related disorder. Also called: RYR1-related condition; RYR1-related disorders. Identifiers: MedGen CN239331.

Allele frequency attached by ClinVar (database versions not stated): gnomAD exomes 0.05121 and 0.06752; ExAC 0.07288; gnomAD 0.11845 and 0.12378; TOPMed 0.12256; ESP Exome Variant Server 0.12287; 1000 Genomes Project 0.12420; 1000 Genomes Project 30x 0.12758.

Submissions (15):

Labcorp Genetics (formerly Invitae), Labcorp
Classification: Benign for RYR1-related disorder. Last evaluated: 2026-02-04. Review status: criteria provided, single submitter. Criteria: Invitae Variant Classification Sherloc (09022015). Collection method: clinical testing. Allele origin: germline.

Blueprint Genetics
Classification: Likely benign. Last evaluated: 2024-11-28. Review status: criteria provided, single submitter. Criteria: ACMG Guidelines, 2015. Collection method: clinical testing. Allele origin: germline.

PreventionGenetics, part of Exact Sciences
Classification: Benign. Last evaluated: 2018-04-02. Review status: criteria provided, single submitter. Criteria: ACMG Guidelines, 2015. Collection method: clinical testing. Allele origin: germline.

Color Diagnostics, LLC DBA Color Health
Classification: Benign for Malignant hyperthermia, susceptibility to, 1. Last evaluated: 2018-03-05. Review status: criteria provided, single submitter. Criteria: ACMG Guidelines, 2015. Collection method: clinical testing. Allele origin: germline.

Illumina Laboratory Services, Illumina
Classification: Benign for Congenital multicore myopathy with external ophthalmoplegia. Last evaluated: 2018-01-13. Review status: criteria provided, single submitter. Criteria: ICSL Variant Classification Criteria 13 December 2019. Collection method: clinical testing. Allele origin: germline.
Comment: This variant was observed in the ICSL laboratory as part of a predisposition screen in an ostensibly healthy population. It had not been previously curated by ICSL or reported in the Human Gene Mutation Database (HGMD: prior to June 1st, 2018), and was therefore a candidate for classification through an automated scoring system. Utilizing variant allele frequency, disease prevalence and penetrance estimates, and inheritance mode, an automated score was calculated to assess if this variant is too frequent to cause the disease. Based on the score and internal cut-off values, a variant classified as benign is not then subjected to further curation. The score for this variant resulted in a classification of benign for this disease.

Illumina Laboratory Services, Illumina
Classification: Benign for Central core myopathy. Last evaluated: 2018-01-13. Review status: criteria provided, single submitter. Criteria: ICSL Variant Classification Criteria 13 December 2019. Collection method: clinical testing. Allele origin: germline.
Comment: the same text as in the submission from Illumina Laboratory Services, Illumina above.

Illumina Laboratory Services, Illumina
Classification: Benign for Malignant hyperthermia, susceptibility to, 1. Last evaluated: 2018-01-13. Review status: criteria provided, single submitter. Criteria: ICSL Variant Classification Criteria 13 December 2019. Collection method: clinical testing. Allele origin: germline.
Comment: the same text as in the submission from Illumina Laboratory Services, Illumina above.

Mayo Clinic Laboratories, Mayo Clinic
Classification: Benign. Last evaluated: 2017-11-22. Review status: criteria provided, single submitter. Criteria: ACMG Guidelines, 2015. Collection method: clinical testing. Allele origin: germline. Observed: 126 variant alleles.

GeneDx
Classification: Benign. Last evaluated: 2016-02-29. Review status: criteria provided, single submitter. Criteria: GeneDx Variant Classification (06012015). Collection method: clinical testing. Allele origin: germline. Affected: yes.
Comment: This variant is considered likely benign or benign based on one or more of the following criteria: it is a conservative change, it occurs at a poorly conserved position in the protein, it is predicted to be benign by multiple in silico algorithms, and/or has population frequency not consistent with disease.

Laboratory for Molecular Medicine, Mass General Brigham Personalized Medicine
Classification: Benign. Last evaluated: 2014-11-24. Review status: criteria provided, single submitter. Criteria: LMM Criteria. Collection method: clinical testing. Allele origin: germline. Observed: 2 variant alleles.
Comment: 10687-7C>T in intron 72 of RYR1: This variant is not expected to have clinical s ignificance because it has been identified in 26.2% (1155/4406) of African Ameri can chromosomes from a broad population by the NHLBI Exome Sequencing Project (dbSNP rs2960354).

Genetic Services Laboratory, University of Chicago
Classification: Likely benign. Last evaluated: 2013-08-15. Review status: criteria provided, single submitter. Criteria: ACMG Guidelines, 2007. Collection method: clinical testing. Allele origin: germline. Inheritance: Autosomal unknown.
Comment: Likely benign based on allele frequency in 1000 Genomes Project or ESP global frequency and its presence in a patient with a rare or unrelated disease phenotype. NOT Sanger confirmed

Eurofins Ntd Llc (ga)
Classification: Benign. Last evaluated: 2013-05-05. Review status: criteria provided, single submitter. Criteria: EGL Classification Definitions 2015. Collection method: clinical testing. Allele origin: germline. Observed: 6 variant alleles, 6 heterozygotes.

Breakthrough Genomics
Classification: Likely benign. Review status: criteria provided, single submitter. Criteria: ACMG Guidelines, 2015. Collection method: not provided. Allele origin: germline. Inheritance: Autosomal recessive inheritance. Affected: yes.

Department of Pathology and Laboratory Medicine, Sinai Health System
Classification: Uncertain significance. Review status: no assertion criteria provided. Collection method: clinical testing. Allele origin: unknown. Affected: yes. Study: The Canadian Open Genetics Repository (COGR). Not counted in ClinVar's aggregate classification.
Comment: Allele frequency is common in at least one population database (frequency: 27.994% in gnomAD_Exomes) based on the frequency threshold of 2.223% for this gene. Variant was observed in a homozygous state in population databases more than expected for disease.

RYR1 database
No classification provided. Review status: no classification provided. Collection method: not provided. Allele origin: unknown. Not counted in ClinVar's aggregate classification.

NM_000540.3(RYR1):c.10687-7C>T

Gene: RYR1 (ryanodine receptor 1; plus strand). Cytogenetic location: 19q13.2.
Variant type: single nucleotide variant.
Coding change: c.10687-7C>T on transcript NM_000540.3 (MANE Select); 7 bases into the intron before coding-DNA position 10687, C replaced by T.
Molecular consequence: intron variant.
Genome position (GRCh38, 1-based): chr19:38,527,640, C>T. VCF-style: chr19-38527640-C-T. GRCh37 (hg19) VCF-style: chr19-39018280-C-T.
Other names: p.?; c.10672-7C>T (NM_001042723.2).
Identifiers: ClinVar variation 93242 (VCV000093242.30), dbSNP rs2960354, ClinGen allele CA023856.
Genomic context (GRCh38, chr19:38,527,640, plus strand): 5'-AGGGGACATCCGGCGGACACTGTGGGAAGGGTCCCTCACGCCGGCCACTCCTTCTTCCTC[C>T]CTTCAGGTCGAAGGCTCCCCGTCTCTGCGCTGGCAGATGGCTCTGTACCGGGGCGTCCCG-3'